The following is an entry in ClinVar:

NM_004329.3(BMPR1A):c.1536C>A (p.Leu512=)

Gene: BMPR1A (bone morphogenetic protein receptor type 1A; plus strand). Cytogenetic location: 10q23.2.
Variant type: single nucleotide variant.
Coding change: c.1536C>A on transcript NM_004329.3 (MANE Select); coding-DNA position 1536, C replaced by A.
Protein change: p.Leu512=; no amino-acid change (leucine 512 retained).
Molecular consequence: synonymous variant.
Genome position (GRCh38, 1-based): chr10:86,923,656, C>A. VCF-style: chr10-86923656-C-A. GRCh37 (hg19) VCF-style: chr10-88683413-C-A.
Identifiers: ClinVar variation 1150557 (VCV001150557.12), dbSNP rs758796892, ClinGen allele CA470308859.

ClinVar aggregate classification (germline): Benign/Likely benign. Review status: criteria provided, multiple submitters, no conflicts (2 of 4 stars). 3 submissions from 3 submitters: Benign (1); Likely benign (2). Last evaluated 2025-06-09.

Conditions:
Juvenile polyposis syndrome (JPS). Identifiers: Orphanet 2929, MedGen C0345893, MONDO:0017380, OMIM 174900.
Hereditary cancer-predisposing syndrome. Also called: Hereditary Cancer Syndrome; Hereditary neoplastic syndrome; Neoplastic Syndromes, Hereditary; Tumor predisposition. Identifiers: Orphanet 140162, MedGen C0027672, MeSH D009386, MONDO:0015356.

gnomAD v4.1: 1 of 1,614,212 alleles (0.000062%); highest among the groups gnomAD compares: African/African-American, 0.0013%; no homozygotes.

Submissions (3):

Labcorp Genetics (formerly Invitae), Labcorp
Classification: Likely benign for Juvenile polyposis syndrome. Last evaluated: 2025-06-09. Review status: criteria provided, single submitter. Criteria: Invitae Variant Classification Sherloc (09022015). Collection method: clinical testing. Allele origin: germline.

Myriad Genetics, Inc.
Classification: Benign for Juvenile polyposis syndrome. Last evaluated: 2024-08-08. Review status: criteria provided, single submitter. Criteria: Myriad Autosomal Dominant, Autosomal Recessive and X-Linked Classification Criteria (2023). Collection method: clinical testing. Allele origin: unknown.
Comment: This variant is considered benign. This variant is a silent/synonymous amino acid change and it is not expected to impact splicing.

Ambry Genetics
Classification: Likely benign for Hereditary cancer-predisposing syndrome. Last evaluated: 2021-10-01. Review status: criteria provided, single submitter. Criteria: Ambry Variant Classification Scheme 2023. Collection method: clinical testing. Allele origin: germline.